The following is an entry in ClinVar:

NM_001384732.1(CPLANE1):c.3839G>A (p.Cys1280Tyr)

Gene: CPLANE1 (ciliogenesis and planar polarity effector complex subunit 1; minus strand). Cytogenetic location: 5p13.2.
Variant type: single nucleotide variant.
Coding change: c.3839G>A on transcript NM_001384732.1 (MANE Select); coding-DNA position 3839, G replaced by A.
Protein change: p.Cys1280Tyr; replaces cysteine 1280 with tyrosine.
Molecular consequence: missense variant.
Genome position (GRCh38, 1-based): chr5:37,187,815, C>T on the plus strand (G>A on the coding strand, the complement: CPLANE1 is on the minus strand). VCF-style: chr5-37187815-C-T. GRCh37 (hg19) VCF-style: chr5-37187917-C-T.
Other names: c.3839G>A, p.Cys1280Tyr (NM_023073.4); short protein forms C1280Y.
Identifiers: ClinVar variation 1445203 (VCV001445203.5), dbSNP rs149685637, ClinGen allele CA3238845.
Genomic context (GRCh38, chr5:37,187,815, plus strand): 5'-CTTGCTTTCTGATATTGCCTGCAACTATAGGATAACTTATCACGGACATGCAGCATCCAA[C>T]ACAGAGCACAAAGTTCTCTGAAGCAACCTAAAGCAGGAACACAAATATGAAAGAAAATCA-3'
Protein context (NP_001371661.1, residues 1270-1290): IGCFRELCAL[Cys1280Tyr]WMLHVRDKLS

ClinVar aggregate classification (germline): Uncertain significance. Review status: criteria provided, multiple submitters, no conflicts (2 of 4 stars). 3 submissions from 3 submitters: Uncertain significance (3). Last evaluated 2024-07-12.

Conditions:
Inborn genetic diseases. Identifiers: MedGen C0950123, MeSH D030342.
Orofaciodigital syndrome type 6 (OFD6). Also called: OROFACIODIGITAL SYNDROME VI; OFDS VI; POLYDACTYLY, CLEFT LIP/PALATE OR LINGUAL LUMP, AND PSYCHOMOTOR RETARDATION; VARADI SYNDROME; VARADI-PAPP SYNDROME; Oral-facial-digital syndrome type 6. Identifiers: Orphanet 2754, MedGen C2745997, MONDO:0010176, OMIM 277170.
Joubert syndrome 17 (JBTS17). Identifiers: Orphanet 475, MedGen C3553264, MONDO:0013824, OMIM 614615.

Allele frequency attached by ClinVar (database versions not stated): gnomAD exomes 0.00001 and 0.00004; ExAC 0.00003; gnomAD 0.00004; TOPMed 0.00008; ESP Exome Variant Server 0.00015; 1000 Genomes Project 30x 0.00016; 1000 Genomes Project 0.00020.
gnomAD v4.1: 20 of 1,613,778 alleles (0.0012%); highest among the groups gnomAD compares: Admixed American, 0.015%; no homozygotes.

Submissions (3):

Ambry Genetics
Classification: Uncertain significance for Inborn genetic diseases. Last evaluated: 2024-07-12. Review status: criteria provided, single submitter. Criteria: Ambry Variant Classification Scheme 2023. Collection method: clinical testing. Allele origin: germline.

Labcorp Genetics (formerly Invitae), Labcorp
Classification: Uncertain significance. Last evaluated: 2022-08-12. Review status: criteria provided, single submitter. Criteria: Invitae Variant Classification Sherloc (09022015). Collection method: clinical testing. Allele origin: germline.
Comment: This sequence change replaces cysteine, which is neutral and slightly polar, with tyrosine, which is neutral and polar, at codon 1280 of the CPLANE1 protein (p.Cys1280Tyr). This variant is present in population databases (rs149685637, gnomAD 0.02%). This variant has not been reported in the literature in individuals affected with CPLANE1-related conditions. ClinVar contains an entry for this variant (Variation ID: 1445203). Algorithms developed to predict the effect of missense changes on protein structure and function are either unavailable or do not agree on the potential impact of this missense change (SIFT: "Deleterious"; PolyPhen-2: "Probably Damaging"; Align-GVGD: "Class C0"). In summary, the available evidence is currently insufficient to determine the role of this variant in disease. Therefore, it has been classified as a Variant of Uncertain Significance.

Fulgent Genetics
Classification: Uncertain significance for Orofaciodigital syndrome type 6; Joubert syndrome 17. Last evaluated: 2022-02-22. Review status: criteria provided, single submitter. Criteria: ACMG Guidelines, 2015. Collection method: clinical testing. Allele origin: unknown.